The following is an entry in ClinVar:

ClinVar aggregate classification (germline): Likely benign. Review status: criteria provided, multiple submitters, no conflicts (2 of 4 stars). 2 submissions from 2 submitters: Likely benign (2). Last evaluated 2024-10-09.

Allele frequency attached by ClinVar (database versions not stated): ESP Exome Variant Server 0.00031.
gnomAD v4.1: 103 of 1,613,856 alleles (0.0064%); highest among the groups gnomAD compares: Middle Eastern, 0.033%; 3 homozygotes.

Submissions (2):

Blueprint Genetics
Classification: Likely benign. Last evaluated: 2024-10-09. Review status: criteria provided, single submitter. Criteria: ACMG Guidelines, 2015. Collection method: clinical testing. Allele origin: germline.

CeGaT Center for Human Genetics Tuebingen
Classification: Likely benign. Last evaluated: 2022-12-01. Review status: criteria provided, single submitter. Criteria: CeGaT Center For Human Genetics Tuebingen Variant Classification Criteria Version 2. Collection method: clinical testing. Allele origin: germline. Affected: yes. Observed: 1 variant allele.
Comment: LRP1: PP2, BS2

NM_002332.3(LRP1):c.9041G>A (p.Arg3014His)

Gene: LRP1 (LDL receptor related protein 1; plus strand). Cytogenetic location: 12q13.3.
Variant type: single nucleotide variant.
Coding change: c.9041G>A on transcript NM_002332.3 (MANE Select); coding-DNA position 9041, G replaced by A.
Protein change: p.Arg3014His; replaces arginine 3014 with histidine.
Molecular consequence: missense variant.
Genome position (GRCh38, 1-based): chr12:57,197,130, G>A. VCF-style: chr12-57197130-G-A. GRCh37 (hg19) VCF-style: chr12-57590913-G-A.
Other names: short protein forms R3014H.
Identifiers: ClinVar variation 2643124 (VCV002643124.25), dbSNP rs141393147, ClinGen allele CA6644566.